The following is an entry in ClinVar:

ClinVar aggregate classification (germline): Uncertain significance (1 of 4 stars; one submission).

Allele frequency attached by ClinVar (database versions not stated): TOPMed 0.00001; ExAC 0.00002.
gnomAD v4.1: 6 of 1,614,202 alleles (0.00037%); highest among the groups gnomAD compares: East Asian, 0.0067%; no homozygotes.

Submission:

Labcorp Genetics (formerly Invitae), Labcorp
Classification: Uncertain significance. Last evaluated: 2023-03-17. Review status: criteria provided, single submitter. Criteria: Invitae Variant Classification Sherloc (09022015). Collection method: clinical testing. Allele origin: germline.
Comment: In summary, the available evidence is currently insufficient to determine the role of this variant in disease. Therefore, it has been classified as a Variant of Uncertain Significance. Algorithms developed to predict the effect of missense changes on protein structure and function output the following: SIFT: "Not Available"; PolyPhen-2: "Benign"; Align-GVGD: "Not Available". The alanine amino acid residue is found in multiple mammalian species, which suggests that this missense change does not adversely affect protein function. This variant has not been reported in the literature in individuals affected with SALL2-related conditions. This variant is present in population databases (rs777812399, gnomAD 0.02%). This sequence change replaces glycine, which is neutral and non-polar, with alanine, which is neutral and non-polar, at codon 744 of the SALL2 protein (p.Gly744Ala).

NM_001364564.1(SALL2):c.2225G>C (p.Gly742Ala)

Gene: SALL2 (spalt like transcription factor 2; minus strand). Cytogenetic location: 14q11.2.
Variant type: single nucleotide variant.
Coding change: c.2225G>C on transcript NM_001364564.1 (MANE Select); coding-DNA position 2225, G replaced by C.
Protein change: p.Gly742Ala; replaces glycine 742 with alanine.
Molecular consequence: missense variant.
Genome position (GRCh38, 1-based): chr14:21,523,497, C>G on the plus strand (G>C on the coding strand, the complement: SALL2 is on the minus strand). VCF-style: chr14-21523497-C-G. GRCh37 (hg19) VCF-style: chr14-21991631-C-G.
Other names: c.1826G>C, p.Gly609Ala (NM_001291446.2); c.1820G>C, p.Gly607Ala (NM_001291447.2); c.2231G>C, p.Gly744Ala (NM_005407.3); short protein forms G609A, G744A, G742A, G607A.
Identifiers: ClinVar variation 2786837 (VCV002786837.3), dbSNP rs777812399, ClinGen allele CA7093528.